The following is an entry in ClinVar:

ClinVar aggregate classification (germline): Uncertain significance (1 of 4 stars; one submission).

Submission:

GeneDx
Classification: Uncertain significance. Last evaluated: 2019-04-04. Review status: criteria provided, single submitter. Criteria: GeneDx Variant Classification Process June 2021. Collection method: clinical testing. Allele origin: germline. Affected: yes.
Comment: Has not been previously published as pathogenic or benign to our knowledge; Not observed in large population cohorts (Lek et al., 2016); In silico analysis, which includes protein predictors and evolutionary conservation, supports a deleterious effect

NM_170707.4(LMNA):c.1504G>C (p.Ala502Pro)

Gene: LMNA (lamin A/C; plus strand). Cytogenetic location: 1q22.
Variant type: single nucleotide variant.
Coding change: c.1504G>C on transcript NM_170707.4 (MANE Select); coding-DNA position 1504, G replaced by C.
Protein change: p.Ala502Pro; replaces alanine 502 with proline.
Molecular consequence: missense variant.
Genome position (GRCh38, 1-based): chr1:156,137,128, G>C. VCF-style: chr1-156137128-G-C. GRCh37 (hg19) VCF-style: chr1-156106919-G-C.
Other names: c.1168G>C, p.Ala390Pro (NM_001257374.3); c.1261G>C, p.Ala421Pro (NM_001282624.2); c.1504G>C, p.Ala502Pro (NM_001282625.2, NM_001282626.2, NM_005572.4 and 1 more transcripts); short protein forms A390P, A421P, A502P.
Identifiers: ClinVar variation 1302415 (VCV001302415.2), dbSNP rs1215424724, ClinGen allele CA342823026.
Genomic context (GRCh38, chr1:156,137,128, plus strand): 5'-GTGGCGATGGGAGCGCTGGGGTAAGTGTCCTTTTCTCCTCTCCAGATCTGGGCTGCAGGA[G>C]CTGGGGCCACCCACAGCCCCCCTACCGACCTGGTGTGGAAGGCACAGAACACCTGGGGCT-3'
Protein context (NP_733821.1, residues 492-512): GQVVTIWAAG[Ala502Pro]GATHSPPTDL